The following is an entry in ClinVar:

ClinVar aggregate classification (germline): Uncertain significance (1 of 4 stars; one submission).

Submission:

GeneDx
Classification: Uncertain significance. Last evaluated: 2026-01-29. Review status: criteria provided, single submitter. Criteria: GeneDx Variant Classification Process June 2021. Collection method: clinical testing. Allele origin: germline.
Comment: Not observed at significant frequency in large population cohorts (gnomAD); In silico analysis supports that this missense variant has a deleterious effect on protein structure/function; Has not been previously published as pathogenic or benign to our knowledge

NM_138792.4(LEO1):c.1054C>G (p.Pro352Ala)

Gene: LEO1 (LEO1 component of Paf1/RNA polymerase II complex; minus strand). Cytogenetic location: 15q21.2.
Variant type: single nucleotide variant.
Coding change: c.1054C>G on transcript NM_138792.4 (MANE Select); coding-DNA position 1054, C replaced by G.
Protein change: p.Pro352Ala; replaces proline 352 with alanine.
Molecular consequence: missense variant.
Genome position (GRCh38, 1-based): chr15:51,960,005, G>C on the plus strand (C>G on the coding strand, the complement: LEO1 is on the minus strand). VCF-style: chr15-51960005-G-C. GRCh37 (hg19) VCF-style: chr15-52252202-G-C.
Other names: c.1054C>G, p.Pro352Ala (NM_001286430.2, NM_001323903.2, NM_001323904.2 and 2 more transcripts); short protein forms P352A.
Identifiers: ClinVar variation 4975649 (VCV004975649.1).